The following is an entry in ClinVar:

NM_003737.4(DCHS1):c.9694C>G (p.Pro3232Ala)

Gene: DCHS1 (dachsous cadherin-related 1; minus strand). Cytogenetic location: 11p15.4.
Variant type: single nucleotide variant.
Coding change: c.9694C>G on transcript NM_003737.4 (MANE Select); coding-DNA position 9694, C replaced by G.
Protein change: p.Pro3232Ala; replaces proline 3232 with alanine.
Molecular consequence: missense variant.
Genome position (GRCh38, 1-based): chr11:6,621,982, G>C on the plus strand (C>G on the coding strand, the complement: DCHS1 is on the minus strand). VCF-style: chr11-6621982-G-C. GRCh37 (hg19) VCF-style: chr11-6643213-G-C.
Other names: short protein forms P3232A.
Identifiers: ClinVar variation 1720717 (VCV001720717.5), dbSNP rs761179038, ClinGen allele CA5859197.

ClinVar aggregate classification (germline): Uncertain significance (1 of 4 stars; one submission).

Allele frequency attached by ClinVar (database versions not stated): gnomAD exomes below 0.00001; ExAC 0.00001.
gnomAD v4.1: 1 of 1,613,490 alleles (0.000062%); highest among the groups gnomAD compares: Non-Finnish European, 0.000085%; no homozygotes.

Submission:

Labcorp Genetics (formerly Invitae), Labcorp
Classification: Uncertain significance. Last evaluated: 2022-09-30. Review status: criteria provided, single submitter. Criteria: Invitae Variant Classification Sherloc (09022015). Collection method: clinical testing. Allele origin: germline.
Comment: In summary, the available evidence is currently insufficient to determine the role of this variant in disease. Therefore, it has been classified as a Variant of Uncertain Significance. Advanced modeling of protein sequence and biophysical properties (such as structural, functional, and spatial information, amino acid conservation, physicochemical variation, residue mobility, and thermodynamic stability) performed at Invitae indicates that this missense variant is not expected to disrupt DCHS1 protein function. This variant has not been reported in the literature in individuals affected with DCHS1-related conditions. This variant is present in population databases (rs761179038, gnomAD 0.0009%). This sequence change replaces proline, which is neutral and non-polar, with alanine, which is neutral and non-polar, at codon 3232 of the DCHS1 protein (p.Pro3232Ala).